The following is an entry in ClinVar:

NM_002739.5(PRKCG):c.1154A>G (p.Asp385Gly)

Gene: PRKCG (protein kinase C gamma; plus strand). Cytogenetic location: 19q13.42.
Variant type: single nucleotide variant.
Coding change: c.1154A>G on transcript NM_002739.5 (MANE Select); coding-DNA position 1154, A replaced by G.
Protein change: p.Asp385Gly; replaces aspartic acid 385 with glycine.
Molecular consequence: missense variant.
Genome position (GRCh38, 1-based): chr19:53,898,501, A>G. VCF-style: chr19-53898501-A-G. GRCh37 (hg19) VCF-style: chr19-54401755-A-G.
Other names: c.1154A>G, p.Asp385Gly (NM_001316329.2); short protein forms D385G.
Identifiers: ClinVar variation 3364002 (VCV003364002.2).
Genomic context (GRCh38, chr19:53,898,501, plus strand): 5'-TGATGCTGGCCGAGCGCAGGGGCTCTGATGAGCTCTACGCCATCAAGATCTTGAAAAAGG[A>G]CGTGATCGTCCAGGACGACGATGTGGACTGCACGCTGGTGGAGAAACGTGTGCTGGCGCT-3'
Protein context (NP_002730.1, residues 375-395): ELYAIKILKK[Asp385Gly]VIVQDDDVDC

ClinVar aggregate classification (germline): Uncertain significance (1 of 4 stars; one submission).

Submission:

GeneDx
Classification: Uncertain significance. Last evaluated: 2026-03-05. Review status: criteria provided, single submitter. Criteria: GeneDx Variant Classification Process June 2021. Collection method: clinical testing. Allele origin: germline.
Comment: Not observed at significant frequency in large population cohorts (gnomAD); In silico analysis supports that this missense variant has a deleterious effect on protein structure/function; Has not been previously published as pathogenic or benign to our knowledge